The following is an entry in ClinVar:

ClinVar aggregate classification (germline): Uncertain significance. Review status: criteria provided, multiple submitters, no conflicts (2 of 4 stars). 7 submissions from 7 submitters: Uncertain significance (6). 1 of the submissions does not count toward it. Last evaluated 2024-12-09.

Conditions:
Hereditary cancer-predisposing syndrome. Also called: Hereditary neoplastic syndrome; Neoplastic Syndromes, Hereditary; Hereditary Cancer Syndrome; Tumor predisposition. Identifiers: Orphanet 140162, MedGen C0027672, MeSH D009386, MONDO:0015356.
Bloom syndrome (BLM). Also called: Bloom-Torre-Machacek syndrome. Identifiers: Orphanet 125, MedGen C0005859, MONDO:0008876, OMIM 210900.

Allele frequency attached by ClinVar (database versions not stated): gnomAD 0.00001; gnomAD exomes 0.00001 and 0.00002; TOPMed 0.00002.
gnomAD v4.1: 33 of 1,614,124 alleles (0.002%); highest among the groups gnomAD compares: Non-Finnish European, 0.0025%; no homozygotes.

Submissions (7):

Labcorp Genetics (formerly Invitae), Labcorp
Classification: Uncertain significance for Bloom syndrome. Last evaluated: 2024-12-09. Review status: criteria provided, single submitter. Criteria: Invitae Variant Classification Sherloc (09022015). Collection method: clinical testing. Allele origin: germline.
Comment: This sequence change replaces asparagine, which is neutral and polar, with aspartic acid, which is acidic and polar, at codon 1393 of the BLM protein (p.Asn1393Asp). This variant is present in population databases (rs548600410, gnomAD 0.002%). This variant has not been reported in the literature in individuals affected with BLM-related conditions. ClinVar contains an entry for this variant (Variation ID: 658251). An algorithm developed to predict the effect of missense changes on protein structure and function (PolyPhen-2) suggests that this variant¬†is likely to be tolerated. In summary, the available evidence is currently insufficient to determine the role of this variant in disease. Therefore, it has been classified as a Variant of Uncertain Significance.

Quest Diagnostics Nichols Institute San Juan Capistrano
Classification: Uncertain significance. Last evaluated: 2024-10-11. Review status: criteria provided, single submitter. Criteria: Quest Diagnostics criteria. Collection method: clinical testing. Allele origin: unknown.
Comment: The BLM c.4177A>G (p.Asn1393Asp) variant has been reported in the published literature in an individual with colorectal cancer (PMID: 28944238 (2017)). The frequency of this variant in the general population, 0.000008 (2/251472 chromosomes (Genome Aggregation Database)), is uninformative in the assessment of its pathogenicity. Analysis of this variant using bioinformatics tools for the prediction of the effect of amino acid changes on protein structure and function yielded predictions that this variant is benign. Based on the available information, we are unable to determine the clinical significance of this variant.

Fulgent Genetics
Classification: Uncertain significance for Bloom syndrome. Last evaluated: 2024-05-30. Review status: criteria provided, single submitter. Criteria: ACMG Guidelines, 2015. Collection method: clinical testing. Allele origin: germline.

Ambry Genetics
Classification: Uncertain significance for Hereditary cancer-predisposing syndrome. Last evaluated: 2024-04-24. Review status: criteria provided, single submitter. Criteria: Ambry Variant Classification Scheme 2023. Collection method: clinical testing. Allele origin: germline.
Comment: The p.N1393D variant (also known as c.4177A>G), located in coding exon 21 of the BLM gene, results from an A to G substitution at nucleotide position 4177. The asparagine at codon 1393 is replaced by aspartic acid, an amino acid with highly similar properties. This alteration was identified in an individual diagnosed with colorectal cancer (DeRycke MS et al. Mol Genet Genomic Med, 2017 Sep;5:553-569). This amino acid position is poorly conserved in available vertebrate species. In addition, this alteration is predicted to be tolerated by in silico analysis. Since supporting evidence is limited at this time, the clinical significance of this alteration remains unclear.

GeneDx
Classification: Uncertain significance. Last evaluated: 2023-02-27. Review status: criteria provided, single submitter. Criteria: GeneDx Variant Classification Process June 2021. Collection method: clinical testing. Allele origin: germline. Affected: yes.
Comment: Not observed at significant frequency in large population cohorts (gnomAD); In silico analysis supports that this missense variant does not alter protein structure/function; This variant is associated with the following publications: (PMID: 28944238)

Sema4
Classification: Uncertain significance for Hereditary cancer-predisposing syndrome. Last evaluated: 2021-10-27. Review status: criteria provided, single submitter. Criteria: Sema4 Curation Guidelines. Collection method: curation. Allele origin: germline.
Comment: To the best of our knowledge, the BLM c.4177A>G (p.N1393D) variant has not been reported in individuals with BLM-related disease. It was observed in 2/113762 chromosomes of the Non-Finnish European subpopulation, with no homozygotes, in the large and broad cohorts of the Genome Aggregation Database (PMID: 32461654). The variant has been reported in ClinVar (Variation ID: 658251). In silico tools suggest the impact of the variant on protein function is benign, though these predictions have not been confirmed by functional studies. The evidence is insufficient to meet ACMG/AMP criteria for classifying the variant as benign or pathogenic. Thus, the clinical significance of this variant is currently uncertain.

Natera, Inc.
Classification: Uncertain significance for Bloom syndrome. Last evaluated: 2020-09-16. Review status: no assertion criteria provided. Collection method: clinical testing. Allele origin: germline. Not counted in ClinVar's aggregate classification.

Literature cited by the submitters: PubMed 28944238 (cited by Quest Diagnostics Nichols Institute San Juan Capistrano and Ambry Genetics).

NM_000057.4(BLM):c.4177A>G (p.Asn1393Asp)

Gene: BLM (BLM RecQ like helicase; plus strand). Cytogenetic location: 15q26.1.
Variant type: single nucleotide variant.
Coding change: c.4177A>G on transcript NM_000057.4 (MANE Select); coding-DNA position 4177, A replaced by G.
Protein change: p.Asn1393Asp; replaces asparagine 1393 with aspartic acid.
Molecular consequence: missense variant.
Genome position (GRCh38, 1-based): chr15:90,815,202, A>G. VCF-style: chr15-90815202-A-G. GRCh37 (hg19) VCF-style: chr15-91358432-A-G.
Other names: c.4177A>G, p.Asn1393Asp (NM_001287246.2); c.3784A>G, p.Asn1262Asp (NM_001287247.2); c.3052A>G, p.Asn1018Asp (NM_001287248.2); short protein forms N1018D, N1262D, N1393D.
Identifiers: ClinVar variation 658251 (VCV000658251.20), dbSNP rs548600410, ClinGen allele CA274731578.